The following is an entry in ClinVar:

NM_015354.3(NUP188):c.3386G>A (p.Arg1129His)

Gene: NUP188 (nucleoporin 188; plus strand). Cytogenetic location: 9q34.11.
Variant type: single nucleotide variant.
Coding change: c.3386G>A on transcript NM_015354.3 (MANE Select); coding-DNA position 3386, G replaced by A.
Protein change: p.Arg1129His; replaces arginine 1129 with histidine.
Molecular consequence: missense variant.
Genome position (GRCh38, 1-based): chr9:128,998,185, G>A. VCF-style: chr9-128998185-G-A. GRCh37 (hg19) VCF-style: chr9-131760464-G-A.
Other names: c.3386G>A (NM_015354.1); short protein forms R1129H.
Identifiers: ClinVar variation 3039492 (VCV003039492.16), dbSNP rs186381323, ClinGen allele CA5272947.
Genomic context (GRCh38, chr9:128,998,185, plus strand): 5'-TGAAACCTTTTTCTGTTCCTTTGCAGGCAGATATAATGCACCTGACTGACTCTGTGGTGC[G>A]TCGCCAGCTCTTTCTTGACGTGCTTGATGGAACCAAAGCATTAGTAAGTGTGTCTGGGAG-3'
Protein context (NP_056169.1, residues 1119-1139): DIMHLTDSVV[Arg1129His]RQLFLDVLDG

ClinVar aggregate classification (germline): Likely benign. Review status: criteria provided, multiple submitters, no conflicts (2 of 4 stars). 3 submissions from 3 submitters: Likely benign (2). 1 of the submissions does not count toward it. Last evaluated 2025-01-01.

Conditions:
NUP188-related disorder. Also called: NUP188-related condition.
Inborn genetic diseases. Identifiers: MedGen C0950123, MeSH D030342.

Allele frequency attached by ClinVar (database versions not stated): ESP Exome Variant Server 0.00015; gnomAD exomes 0.00080; 1000 Genomes Project 30x 0.00234; 1000 Genomes Project 0.00260.
gnomAD v4.1: 1,285 of 1,613,972 alleles (0.08%); highest among the groups gnomAD compares: Middle Eastern, 0.89%; 6 homozygotes.

Submissions (3):

CeGaT Center for Human Genetics Tuebingen
Classification: Likely benign. Last evaluated: 2025-01-01. Review status: criteria provided, single submitter. Criteria: CeGaT Center For Human Genetics Tuebingen Variant Classification Criteria Version 2. Collection method: clinical testing. Allele origin: germline. Affected: yes. Observed: 2 variant alleles.
Comment: NUP188: BP4, BS2

Ambry Genetics
Classification: Likely benign for Inborn genetic diseases. Last evaluated: 2024-09-04. Review status: criteria provided, single submitter. Criteria: Ambry Variant Classification Scheme 2023. Collection method: clinical testing. Allele origin: germline.

PreventionGenetics, part of Exact Sciences
Classification: Benign for NUP188-related condition. Last evaluated: 2019-09-18. Review status: no assertion criteria provided. Collection method: clinical testing. Allele origin: germline. Not counted in ClinVar's aggregate classification.
Comment: This variant is classified as benign based on ACMG/AMP sequence variant interpretation guidelines (Richards et al. 2015 PMID: 25741868, with internal and published modifications).